The following is an entry in ClinVar:

NM_001330588.2(TPP2):c.673A>G (p.Arg225Gly)

Gene: TPP2 (tripeptidyl peptidase 2; plus strand). Cytogenetic location: 13q33.1.
Variant type: single nucleotide variant.
Coding change: c.673A>G on transcript NM_001330588.2 (MANE Select); coding-DNA position 673, A replaced by G.
Protein change: p.Arg225Gly; replaces arginine 225 with glycine.
Molecular consequence: missense variant. On other transcripts: non-coding transcript variant (1).
Genome position (GRCh38, 1-based): chr13:102,622,929, A>G. VCF-style: chr13-102622929-A-G. GRCh37 (hg19) VCF-style: chr13-103275279-A-G.
Other names: p.Arg225Gly; c.673A>G, p.Arg225Gly (LRG_1341t1, NM_001367947.1, NM_003291.4); short protein forms R225G.
Identifiers: ClinVar variation 581307 (VCV000581307.9), dbSNP rs145635131, ClinGen allele CA7037577.

ClinVar aggregate classification (germline): Conflicting classifications of pathogenicity. Review status: criteria provided, conflicting classifications (1 of 4 stars). 2 submissions from 2 submitters: Uncertain significance (1); Likely benign (1). Last evaluated 2025-11-10.

Conditions:
Evans syndrome, immunodeficiency, and premature immunosenescence associated with tripeptidyl-peptidase II deficiency. Identifiers: MedGen CN231723. Disease mechanism: loss of function.

Allele frequency attached by ClinVar (database versions not stated): TOPMed 0.00006; gnomAD 0.00007 and 0.00011; ESP Exome Variant Server 0.00008; 1000 Genomes Project 30x 0.00016; 1000 Genomes Project 0.00020; gnomAD exomes 0.00034; ExAC 0.00040.
gnomAD v4.1: 327 of 1,614,154 alleles (0.02%); highest among the groups gnomAD compares: South Asian, 0.16%; 1 homozygote.

Submissions (2):

Labcorp Genetics (formerly Invitae), Labcorp
Classification: Uncertain significance for Evans syndrome, immunodeficiency, and premature immunosenescence associated with tripeptidyl-peptidase II deficiency. Last evaluated: 2025-11-10. Review status: criteria provided, single submitter. Criteria: Invitae Variant Classification Sherloc (09022015). Collection method: clinical testing. Allele origin: germline.
Comment: This sequence change replaces arginine, which is basic and polar, with glycine, which is neutral and non-polar, at codon 225 of the TPP2 protein (p.Arg225Gly). This variant is present in population databases (rs145635131, gnomAD 0.1%). This variant has not been reported in the literature in individuals affected with TPP2-related conditions. ClinVar contains an entry for this variant (Variation ID: 581307). An algorithm developed to predict the effect of missense changes on protein structure and function (PolyPhen-2) suggests that this variant is likely to be tolerated. In summary, the available evidence is currently insufficient to determine the role of this variant in disease. Therefore, it has been classified as a Variant of Uncertain Significance.

Mayo Clinic Laboratories, Mayo Clinic
Classification: Likely benign. Last evaluated: 2025-04-30. Review status: criteria provided, single submitter. Criteria: ACMG Guidelines, 2015. Collection method: clinical testing. Allele origin: germline. Observed: 1 variant allele.
Comment: BS1, BP4